The following is an entry in ClinVar:

ClinVar aggregate classification (germline): Likely benign. Review status: criteria provided, multiple submitters, no conflicts (2 of 4 stars). 2 submissions from 2 submitters: Likely benign (2). Last evaluated 2025-06-18.

Conditions:
Autosomal recessive limb-girdle muscular dystrophy type 2J (LGMDR10). Also called: MUSCULAR DYSTROPHY, LIMB-GIRDLE, AUTOSOMAL RECESSIVE 10; Limb-girdle muscular dystrophy, type 2J. Identifiers: Orphanet 140922, MedGen C1837342, MONDO:0012127, OMIM 608807.
Dilated cardiomyopathy 1G (CMD1G). Identifiers: Orphanet 154, MedGen C1858763, MONDO:0011400, OMIM 604145.

Allele frequency attached by ClinVar (database versions not stated): gnomAD exomes below 0.00001 and 0.00001; ExAC 0.00001.
gnomAD v4.1: 3 of 1,510,928 alleles (0.0002%); highest among the groups gnomAD compares: Non-Finnish European, 0.000088%; no homozygotes.

Submissions (2):

Labcorp Genetics (formerly Invitae), Labcorp
Classification: Likely benign for Dilated cardiomyopathy 1G; Autosomal recessive limb-girdle muscular dystrophy type 2J. Last evaluated: 2025-06-18. Review status: criteria provided, single submitter. Criteria: Invitae Variant Classification Sherloc (09022015). Collection method: clinical testing. Allele origin: germline.

GeneDx
Classification: Likely benign. Last evaluated: 2017-11-07. Review status: criteria provided, single submitter. Criteria: GeneDx Variant Classification (06012015). Collection method: clinical testing. Allele origin: germline. Affected: yes.
Comment: This variant is considered likely benign or benign based on one or more of the following criteria: it is a conservative change, it occurs at a poorly conserved position in the protein, it is predicted to be benign by multiple in silico algorithms, and/or has population frequency not consistent with disease.

NM_001267550.2(TTN):c.72660T>C (p.Tyr24220=)

Genes: TTN-AS1 (TTN antisense RNA 1; plus strand), TTN (titin; minus strand). Cytogenetic location: 2q31.2.
Variant type: single nucleotide variant.
Coding change: c.72660T>C on transcript NM_001267550.2 (MANE Select); coding-DNA position 72660, T replaced by C.
Protein change: p.Tyr24220=; no amino-acid change (tyrosine 24220 retained).
Molecular consequence: synonymous variant.
Genome position (GRCh38, 1-based): chr2:178,573,472, A>G on the plus strand (T>C on the coding strand, the complement: TTN is on the minus strand). VCF-style: chr2-178573472-A-G. GRCh37 (hg19) VCF-style: chr2-179438199-A-G.
Other names: c.67737T>C, p.Tyr22579= (NM_001256850.1); c.45465T>C, p.Tyr15155= (NM_003319.4); c.64956T>C, p.Tyr21652= (NM_133378.4); c.45840T>C, p.Tyr15280= (NM_133432.3); c.46041T>C, p.Tyr15347= (NM_133437.4).
Identifiers: ClinVar variation 513332 (VCV000513332.2), dbSNP rs761708999, ClinGen allele CA1990479.